The following is an entry in ClinVar:

ClinVar aggregate classification (germline): Uncertain significance. Review status: criteria provided, multiple submitters, no conflicts (2 of 4 stars). 2 submissions from 2 submitters: Uncertain significance (2). Last evaluated 2026-02-09.

Conditions:
Hyperinsulinemic hypoglycemia, familial, 1 (HHF1). Also called: Persistent hyperinsulinemic hypoglycemia of infancy; HYPERINSULINISM, FAMILIAL, WITH PANCREATIC NESIDIOBLASTOSIS; HYPOGLYCEMIA, HYPERINSULINEMIC, OF INFANCY; NESIDIOBLASTOSIS OF PANCREAS; Persistent Hyperinsulinemia Hypoglycemia of Infancy. Identifiers: Orphanet 276575, Orphanet 276598, MedGen C2931832, MONDO:0009734, OMIM 256450.

Allele frequency attached by ClinVar (database versions not stated): gnomAD exomes 0.00003; gnomAD 0.00005; ExAC 0.00002; TOPMed 0.00006; ESP Exome Variant Server 0.00008.
gnomAD v4.1: 50 of 1,613,928 alleles (0.0031%); highest among the groups gnomAD compares: African/African-American, 0.004%; no homozygotes.

Submissions (2):

Women's Health and Genetics/Laboratory Corporation of America, LabCorp
Classification: Uncertain significance. Last evaluated: 2026-02-09. Review status: criteria provided, single submitter. Criteria: LabCorp Variant Classification Summary - May 2015. Collection method: clinical testing. Allele origin: germline.
Comment: Variant summary: ABCC8 c.4486G>A (p.Val1496Met) results in a conservative amino acid change located in the ABC transporter-like, ATP-binding domain (IPR003439) of the encoded protein sequence. Algorithms developed to predict the effect of missense changes on protein structure and function are either unavailable or do not agree on the potential impact of this missense change. The variant allele was found at a frequency of 8e-06 in 251366 control chromosomes. The available data on variant occurrences in the general population are insufficient to allow any conclusion about variant significance. c.4486G>A has been reported in the literature association with Hyperinsulinism; however, authors did not provide strong evidence for causality (example: De Franco_2020). This report does not provide unequivocal conclusions about association of the variant with Familial Hyperinsulinism. To our knowledge, no experimental evidence demonstrating an impact on protein function has been reported. The following publications have been ascertained in the context of this evaluation (PMID: 32027066, 32041611). ClinVar contains an entry for this variant (Variation ID: 2506186). Based on the evidence outlined above, the variant was classified as uncertain significance.

Broad Center for Mendelian Genomics, Broad Institute of MIT and Harvard
Classification: Uncertain significance for Hyperinsulinemic hypoglycemia, familial, 1. Last evaluated: 2023-08-16. Review status: criteria provided, single submitter. Criteria: ACMG Guidelines, 2015. Collection method: curation. Allele origin: germline. Inheritance: Autosomal recessive inheritance.
Comment: The p.Val1496Met variant in ABCC8 has been reported in 2 individuals with hyperinsulinemic hypoglycemia (PMID: 33688939, 33688939), and has been identified in 0.002% (2/113674) of European (non-Finnish) chromosomes by the Genome Aggregation Database (gnomAD; dbSNP ID: rs377696470). Although this variant has been seen in the general population in a heterozygous state, its frequency is low enough to be consistent with a recessive carrier frequency. Of the 3 affected individuals, 1 was a compound heterozygote that carried a reported pathogenic variant in trans, which increases the likelihood that the p.Val1496Met variant is pathogenic (PMID: 33688939). Computational prediction tools and conservation analyses suggest that this variant may impact the protein, though this information is not predictive enough to determine pathogenicity. In summary, the clinical significance of the p.Val1496Met variant is uncertain. ACMG/AMP Criteria applied: PM3, PP3, PM2_supporting (Richards 2015).

Literature cited by the submitters: PubMed 32027066 (cited by Women's Health and Genetics/Laboratory Corporation of America, LabCorp); PubMed 32041611 (cited by Women's Health and Genetics/Laboratory Corporation of America, LabCorp).

NM_000352.6(ABCC8):c.4486G>A (p.Val1496Met)

Gene: ABCC8 (ATP binding cassette subfamily C member 8; minus strand). Cytogenetic location: 11p15.1.
Variant type: single nucleotide variant.
Coding change: c.4486G>A on transcript NM_000352.6 (MANE Select); coding-DNA position 4486, G replaced by A.
Protein change: p.Val1496Met; replaces valine 1496 with methionine.
Molecular consequence: missense variant. On other transcripts: non-coding transcript variant (1).
Genome position (GRCh38, 1-based): chr11:17,394,325, C>T on the plus strand (G>A on the coding strand, the complement: ABCC8 is on the minus strand). VCF-style: chr11-17394325-C-T. GRCh37 (hg19) VCF-style: chr11-17415872-C-T.
Other names: NM_001287174.3:c.4489G>A; c.4489G>A, p.Val1497Met (NM_001287174.3); c.4552G>A, p.Val1518Met (NM_001351295.2); c.4486G>A, p.Val1496Met (NM_001351296.2); c.4483G>A, p.Val1495Met (NM_001351297.2); short protein forms V1495M, V1496M, V1497M, V1518M.
Identifiers: ClinVar variation 2506186 (VCV002506186.3), dbSNP rs377696470, ClinGen allele CA5902464.